The following is an entry in ClinVar:

NM_000092.5(COL4A4):c.511G>T (p.Glu171Ter)

Gene: COL4A4 (collagen type IV alpha 4 chain; minus strand). Cytogenetic location: 2q36.3.
Variant type: single nucleotide variant.
Coding change: c.511G>T on transcript NM_000092.5 (MANE Select); coding-DNA position 511, G replaced by T.
Protein change: p.Glu171Ter; replaces glutamic acid 171 with a stop codon.
Molecular consequence: nonsense.
Genome position (GRCh38, 1-based): chr2:227,114,675, C>A on the plus strand (G>T on the coding strand, the complement: COL4A4 is on the minus strand). VCF-style: chr2-227114675-C-A. GRCh37 (hg19) VCF-style: chr2-227979391-C-A.
Other names: short protein forms E171*.
Identifiers: ClinVar variation 2818394 (VCV002818394.3), dbSNP rs1029503113, ClinGen allele CA66572701.

ClinVar aggregate classification (germline): Pathogenic (1 of 4 stars; one submission).

Allele frequency attached by ClinVar (database versions not stated): gnomAD exomes below 0.00001.
gnomAD v4.1: 1 of 1,613,832 alleles (0.000062%); highest among the groups gnomAD compares: Non-Finnish European, 0.000085%; no homozygotes.

Submission:

Labcorp Genetics (formerly Invitae), Labcorp
Classification: Pathogenic. Last evaluated: 2023-09-21. Review status: criteria provided, single submitter. Criteria: Invitae Variant Classification Sherloc (09022015). Collection method: clinical testing. Allele origin: germline.
Comment: For these reasons, this variant has been classified as Pathogenic. This variant has not been reported in the literature in individuals affected with COL4A4-related conditions. This variant is present in population databases (no rsID available, gnomAD 0.0009%). This sequence change creates a premature translational stop signal (p.Glu171*) in the COL4A4 gene. It is expected to result in an absent or disrupted protein product. Loss-of-function variants in COL4A4 are known to be pathogenic (PMID: 21196518, 24854265, 25307543).

Literature cited by the submitters: PubMed 21196518; PubMed 24854265; PubMed 25307543.